The following is an entry in ClinVar:

ClinVar aggregate classification (germline): Uncertain significance (1 of 4 stars; one submission).

Conditions:
Autosomal dominant childhood-onset proximal spinal muscular atrophy with contractures (SMALED2A). Also called: Spinal muscular atrophy, lower extremity-predominant, 2A, autosomal dominant; SPINAL MUSCULAR ATROPHY, LOWER EXTREMITY-PREDOMINANT, 2A, CHILDHOOD ONSET, AUTOSOMAL DOMINANT. Identifiers: Orphanet 363447, Orphanet 363454, MedGen C4747715, MONDO:0014121, OMIM 615290.

Allele frequency attached by ClinVar (database versions not stated): gnomAD exomes 0.00001 and 0.00004; TOPMed 0.00001; ExAC 0.00007.
gnomAD v4.1: 20 of 1,611,602 alleles (0.0012%); highest among the groups gnomAD compares: South Asian, 0.0022%; no homozygotes.

Submission:

Labcorp Genetics (formerly Invitae), Labcorp
Classification: Uncertain significance for Autosomal dominant childhood-onset proximal spinal muscular atrophy with contractures. Last evaluated: 2025-11-11. Review status: criteria provided, single submitter. Criteria: Invitae Variant Classification Sherloc (09022015). Collection method: clinical testing. Allele origin: germline.
Comment: This sequence change replaces asparagine, which is neutral and polar, with serine, which is neutral and polar, at codon 550 of the BICD2 protein (p.Asn550Ser). This variant is present in population databases (rs754018322, gnomAD 0.008%). This variant has not been reported in the literature in individuals affected with BICD2-related conditions. ClinVar contains an entry for this variant (Variation ID: 582447). Invitae Evidence Modeling of protein sequence and biophysical properties (such as structural, functional, and spatial information, amino acid conservation, physicochemical variation, residue mobility, and thermodynamic stability) indicates that this missense variant is not expected to disrupt BICD2 protein function with a negative predictive value of 80%. In summary, the available evidence is currently insufficient to determine the role of this variant in disease. Therefore, it has been classified as a Variant of Uncertain Significance.

NM_001003800.2(BICD2):c.1649A>G (p.Asn550Ser)

Gene: BICD2 (BICD cargo adaptor 2; minus strand). Cytogenetic location: 9q22.31.
Variant type: single nucleotide variant.
Coding change: c.1649A>G on transcript NM_001003800.2 (MANE Select); coding-DNA position 1649, A replaced by G.
Protein change: p.Asn550Ser; replaces asparagine 550 with serine.
Molecular consequence: missense variant.
Genome position (GRCh38, 1-based): chr9:92,718,996, T>C on the plus strand (A>G on the coding strand, the complement: BICD2 is on the minus strand). VCF-style: chr9-92718996-T-C. GRCh37 (hg19) VCF-style: chr9-95481278-T-C.
Other names: c.1649A>G, p.Asn550Ser (NM_015250.4); short protein forms N550S.
Identifiers: ClinVar variation 582447 (VCV000582447.9), dbSNP rs754018322, ClinGen allele CA5126521.